The following is an entry in ClinVar:

NM_000275.3(OCA2):c.2282T>C (p.Val761Ala)

Gene: OCA2 (OCA2 melanosomal transmembrane protein; minus strand). Cytogenetic location: 15q13.1.
Variant type: single nucleotide variant.
Coding change: c.2282T>C on transcript NM_000275.3 (MANE Select); coding-DNA position 2282, T replaced by C.
Protein change: p.Val761Ala; replaces valine 761 with alanine.
Molecular consequence: missense variant.
Genome position (GRCh38, 1-based): chr15:27,851,438, A>G on the plus strand (T>C on the coding strand, the complement: OCA2 is on the minus strand). VCF-style: chr15-27851438-A-G. GRCh37 (hg19) VCF-style: chr15-28096584-A-G.
Other names: c.2210T>C, p.Val737Ala (NM_001300984.2); short protein forms V737A, V761A.
Identifiers: ClinVar variation 1449028 (VCV001449028.6), dbSNP rs143116542, ClinGen allele CA391360123.
Genomic context (GRCh38, chr15:27,851,438, plus strand): 5'-TTACCTCCCAGGCAAGCACCGAAGGCCAGGGCATACATGAGCGGCGGTGCGGGCAGGCCA[A>G]CCTCAGGGTCGTGGCTCAGGTTCAGGAGCACGGGAATCTGTGGAGGAAGAGGACATTGAT-3'
Protein context (NP_000266.2, residues 751-771): VLLNLSHDPE[Val761Ala]GLPAPPLMYA

ClinVar aggregate classification (germline): Uncertain significance (1 of 4 stars; one submission).

Submission:

Labcorp Genetics (formerly Invitae), Labcorp
Classification: Uncertain significance. Last evaluated: 2021-10-04. Review status: criteria provided, single submitter. Criteria: Invitae Variant Classification Sherloc (09022015). Collection method: clinical testing. Allele origin: germline.
Comment: In summary, the available evidence is currently insufficient to determine the role of this variant in disease. Therefore, it has been classified as a Variant of Uncertain Significance. Algorithms developed to predict the effect of missense changes on protein structure and function are either unavailable or do not agree on the potential impact of this missense change (SIFT: "Deleterious"; PolyPhen-2: "Possibly Damaging"; Align-GVGD: "Class C0"). This variant has not been reported in the literature in individuals affected with OCA2-related conditions. This variant is not present in population databases (ExAC no frequency). This sequence change replaces valine with alanine at codon 761 of the OCA2 protein (p.Val761Ala). The valine residue is moderately conserved and there is a small physicochemical difference between valine and alanine.